The following is an entry in ClinVar:

ClinVar aggregate classification (germline): Uncertain significance. Review status: criteria provided, single submitter (1 of 4 stars). 2 submissions from 2 submitters: Uncertain significance (1). 1 of the submissions does not count toward it. Last evaluated 2022-06-17.

Allele frequency attached by ClinVar (database versions not stated): gnomAD exomes below 0.00001.
gnomAD v4.1: 2 of 1,614,118 alleles (0.00012%); highest among the groups gnomAD compares: Admixed American, 0.0017%; no homozygotes.

Submissions (2):

Labcorp Genetics (formerly Invitae), Labcorp
Classification: Uncertain significance. Last evaluated: 2022-06-17. Review status: criteria provided, single submitter. Criteria: Invitae Variant Classification Sherloc (09022015). Collection method: clinical testing. Allele origin: germline.
Comment: This sequence change replaces glycine, which is neutral and non-polar, with aspartic acid, which is acidic and polar, at codon 455 of the GPR179 protein (p.Gly455Asp). Algorithms developed to predict the effect of missense changes on protein structure and function (SIFT, PolyPhen-2, Align-GVGD) all suggest that this variant is likely to be disruptive. ClinVar contains an entry for this variant (Variation ID: 68757). This missense change has been observed in individual(s) with congenital stationary night blindness (PMID: 22325361). In at least one individual the data is consistent with being in trans (on the opposite chromosome) from a pathogenic variant. This variant is present in population databases (rs281875235, gnomAD 0.0009%). In summary, the available evidence is currently insufficient to determine the role of this variant in disease. Therefore, it has been classified as a Variant of Uncertain Significance. Experimental studies have shown that this missense change affects GPR179 function (PMID: 24222301).

UniProtKB/Swiss-Prot
No classification provided. Review status: no classification provided. Collection method: not provided. Allele origin: not provided. Not counted in ClinVar's aggregate classification.

Literature cited by the submitters: PubMed 22325361 (cited by Labcorp Genetics (formerly Invitae), Labcorp); PubMed 24222301 (cited by Labcorp Genetics (formerly Invitae), Labcorp).

NM_001004334.4(GPR179):c.1364G>A (p.Gly455Asp)

Gene: GPR179 (G protein-coupled receptor 179; minus strand). Cytogenetic location: 17q12.
Variant type: single nucleotide variant.
Coding change: c.1364G>A on transcript NM_001004334.4 (MANE Select); coding-DNA position 1364, G replaced by A.
Protein change: p.Gly455Asp; replaces glycine 455 with aspartic acid.
Molecular consequence: missense variant.
Genome position (GRCh38, 1-based): chr17:38,335,633, C>T on the plus strand (G>A on the coding strand, the complement: GPR179 is on the minus strand). VCF-style: chr17-38335633-C-T. GRCh37 (hg19) VCF-style: chr17-36491516-C-T.
Other names: short protein forms G455D.
Identifiers: ClinVar variation 68757 (VCV000068757.6), dbSNP rs281875235, ClinGen allele CA219862.